The following is an entry in ClinVar:

ClinVar aggregate classification (germline): Likely benign (0 of 4 stars; one submission).

Conditions:
ATP11A-related disorder. Also called: ATP11A-related condition.

Allele frequency attached by ClinVar (database versions not stated): gnomAD 0.00001; gnomAD exomes 0.00001; TOPMed 0.00002; ExAC 0.00006; 1000 Genomes Project 30x 0.00016; 1000 Genomes Project 0.00020.
gnomAD v4.1: 24 of 1,614,168 alleles (0.0015%); highest among the groups gnomAD compares: East Asian, 0.0067%; no homozygotes.

Submission:

PreventionGenetics, part of Exact Sciences
Classification: Likely benign for ATP11A-related condition. Last evaluated: 2024-01-03. Review status: no assertion criteria provided. Collection method: clinical testing. Allele origin: germline.
Comment: This variant is classified as likely benign based on ACMG/AMP sequence variant interpretation guidelines (Richards et al. 2015 PMID: 25741868, with internal and published modifications).

NM_015205.3(ATP11A):c.1122C>T (p.Leu374=)

Gene: ATP11A (ATPase phospholipid transporting 11A; plus strand). Cytogenetic location: 13q34.
Variant type: single nucleotide variant.
Coding change: c.1122C>T on transcript NM_015205.3 (MANE Select); coding-DNA position 1122, C replaced by T.
Protein change: p.Leu374=; no amino-acid change (leucine 374 retained).
Molecular consequence: synonymous variant.
Genome position (GRCh38, 1-based): chr13:112,826,792, C>T. VCF-style: chr13-112826792-C-T. GRCh37 (hg19) VCF-style: chr13-113481106-C-T.
Other names: c.1122C>T, p.Leu374= (NM_001405661.1, NM_001405662.1, NM_001405663.1 and 1 more transcripts).
Identifiers: ClinVar variation 3029341 (VCV003029341.2), dbSNP rs552356984, ClinGen allele CA7056639.
Genomic context (GRCh38, chr13:112,826,792, plus strand): 5'-CCTCTTTAACTACATCATCCCTGTGTCCATGTACGTCACGGTCGAGATGCAGAAGTTCCT[C>T]GGCTCTTACTTCATCACCTGGGACGAAGACATGTTTGACGAGGAGACTGGCGAGGGGCCT-3'
Protein context (NP_056020.2, residues 364-384): MYVTVEMQKF[Leu374=]GSYFITWDED